The following is an entry in ClinVar:

NM_002941.4(ROBO1):c.3166C>A (p.Pro1056Thr)

Gene: ROBO1 (roundabout guidance receptor 1; minus strand). Cytogenetic location: 3p12.3.
Variant type: single nucleotide variant.
Coding change: c.3166C>A on transcript NM_002941.4 (MANE Select); coding-DNA position 3166, C replaced by A.
Protein change: p.Pro1056Thr; replaces proline 1056 with threonine.
Molecular consequence: missense variant. On other transcripts: intron variant (1).
Genome position (GRCh38, 1-based): chr3:78,635,980, G>T on the plus strand (C>A on the coding strand, the complement: ROBO1 is on the minus strand). VCF-style: chr3-78635980-G-T. GRCh37 (hg19) VCF-style: chr3-78685130-G-T.
Other names: c.3031C>A, p.Pro1011Thr (NM_001145844.1, NM_133631.4); c.2903-37C>A (NM_001145845.2); short protein forms P1011T, P1056T.
Identifiers: ClinVar variation 3034574 (VCV003034574.2), dbSNP rs2471880246, ClinGen allele CA353652687.
Genomic context (GRCh38, chr3:78,635,980, plus strand): 5'-TGGTGGCGTAAGGAGTAGGCTGCCCTGATGGATTGACAAAACGCCCATCCTTCAGATTTG[G>T]GCTATTGAAGGTTTTCATCTCATTGATTTTGTTACTAAGGTCCACATCACCATAAACAGT-3'
Protein context (NP_002932.1, residues 1046-1066): KINEMKTFNS[Pro1056Thr]NLKDGRFVNP

ClinVar aggregate classification (germline): Uncertain significance (0 of 4 stars; one submission).

Conditions:
ROBO1-related disorder. Also called: ROBO1-related condition.

Submission:

PreventionGenetics, part of Exact Sciences
Classification: Uncertain significance for ROBO1-related condition. Last evaluated: 2023-12-16. Review status: no assertion criteria provided. Collection method: clinical testing. Allele origin: germline.
Comment: The ROBO1 c.3166C>A variant is predicted to result in the amino acid substitution p.Pro1056Thr. To our knowledge, this variant has not been reported in the literature or in a large population database, indicating this variant is rare. At this time, the clinical significance of this variant is uncertain due to the absence of conclusive functional and genetic evidence.